The following is an entry in ClinVar:

ClinVar aggregate classification (germline): Uncertain significance (1 of 4 stars; one submission).

Conditions:
Inborn genetic diseases. Identifiers: MedGen C0950123, MeSH D030342.

Submission:

Ambry Genetics
Classification: Uncertain significance for Inborn genetic diseases. Last evaluated: 2026-04-23. Review status: criteria provided, single submitter. Criteria: Ambry Variant Classification Scheme 2023. Collection method: clinical testing. Allele origin: germline.
Comment: The p.I293M variant (also known as c.879C>G), located in coding exon 8 of the AGA gene, results from a C to G substitution at nucleotide position 879. The isoleucine at codon 293 is replaced by methionine, an amino acid with highly similar properties. This amino acid position is conserved. In addition, the in silico prediction for this alteration is inconclusive. Based on the available evidence, the clinical significance of this variant remains unclear.

NM_000027.4(AGA):c.879C>G (p.Ile293Met)

Gene: AGA (aspartylglucosaminidase; minus strand). Cytogenetic location: 4q34.3.
Variant type: single nucleotide variant.
Coding change: c.879C>G on transcript NM_000027.4 (MANE Select); coding-DNA position 879, C replaced by G.
Protein change: p.Ile293Met; replaces isoleucine 293 with methionine.
Molecular consequence: missense variant. On other transcripts: non-coding transcript variant (1).
Genome position (GRCh38, 1-based): chr4:177,433,275, G>C on the plus strand (C>G on the coding strand, the complement: AGA is on the minus strand). VCF-style: chr4-177433275-G-C. GRCh37 (hg19) VCF-style: chr4-178354429-G-C.
Other names: c.849C>G, p.Ile283Met (NM_001171988.2); short protein forms I283M, I293M.
Identifiers: ClinVar variation 4571887 (VCV004571887.2).